The following is an entry in ClinVar:

NM_005228.5(EGFR):c.1552C>T (p.Pro518Ser)

Gene: EGFR (epidermal growth factor receptor; plus strand). Cytogenetic location: 7p11.2.
Variant type: single nucleotide variant.
Coding change: c.1552C>T on transcript NM_005228.5 (MANE Select); coding-DNA position 1552, C replaced by T.
Protein change: p.Pro518Ser; replaces proline 518 with serine.
Molecular consequence: missense variant.
Genome position (GRCh38, 1-based): chr7:55,161,552, C>T. VCF-style: chr7-55161552-C-T. GRCh37 (hg19) VCF-style: chr7-55229245-C-T.
Other names: c.1417C>T, p.Pro473Ser (NM_001346897.2, NM_001346899.2); c.1552C>T, p.Pro518Ser (NM_001346898.2, NM_201282.2, NM_201284.2); c.1393C>T, p.Pro465Ser (NM_001346900.2); c.751C>T, p.Pro251Ser (NM_001346941.2); short protein forms P465S, P473S, P518S, P251S.
Identifiers: ClinVar variation 1467292 (VCV001467292.6), dbSNP rs368484180, ClinGen allele CA4265612.

ClinVar aggregate classification (germline): Uncertain significance (1 of 4 stars; one submission).

Conditions:
EGFR-related lung cancer (EGFR). Identifiers: MedGen CN130014.

Allele frequency attached by ClinVar (database versions not stated): gnomAD exomes below 0.00001; TOPMed below 0.00001; ExAC 0.00001; ESP Exome Variant Server 0.00008.

Submission:

Labcorp Genetics (formerly Invitae), Labcorp
Classification: Uncertain significance for EGFR-related lung cancer. Last evaluated: 2021-11-10. Review status: criteria provided, single submitter. Criteria: Invitae Variant Classification Sherloc (09022015). Collection method: clinical testing. Allele origin: germline.
Comment: In summary, the available evidence is currently insufficient to determine the role of this variant in disease. Therefore, it has been classified as a Variant of Uncertain Significance. Algorithms developed to predict the effect of missense changes on protein structure and function are either unavailable or do not agree on the potential impact of this missense change (SIFT: "Tolerated"; PolyPhen-2: "Possibly Damaging"; Align-GVGD: "Class C0"). This variant has not been reported in the literature in individuals affected with EGFR-related conditions. This variant is not present in population databases (gnomAD no frequency). This sequence change replaces proline, which is neutral and non-polar, with serine, which is neutral and polar, at codon 518 of the EGFR protein (p.Pro518Ser).